The following is an entry in ClinVar:

NM_001375808.2(LPIN2):c.553G>A (p.Val185Met)

Gene: LPIN2 (lipin 2; minus strand). Cytogenetic location: 18p11.31.
Variant type: single nucleotide variant.
Coding change: c.553G>A on transcript NM_001375808.2 (MANE Select); coding-DNA position 553, G replaced by A.
Protein change: p.Val185Met; replaces valine 185 with methionine.
Molecular consequence: missense variant.
Genome position (GRCh38, 1-based): chr18:2,951,092, C>T on the plus strand (G>A on the coding strand, the complement: LPIN2 is on the minus strand). VCF-style: chr18-2951092-C-T. GRCh37 (hg19) VCF-style: chr18-2951090-C-T.
Other names: c.553G>A, p.Val185Met (NM_001375809.1, NM_014646.2); short protein forms V185M.
Identifiers: ClinVar variation 946602 (VCV000946602.14), dbSNP rs148620026, ClinGen allele CA8873530.

ClinVar aggregate classification (germline): Uncertain significance. Review status: criteria provided, multiple submitters, no conflicts (2 of 4 stars). 4 submissions from 4 submitters: Uncertain significance (4). Last evaluated 2025-06-18.

Conditions:
Autoinflammatory syndrome. Identifiers: Orphanet 93665, MedGen C3890737, MONDO:0019751.
Inborn genetic diseases. Identifiers: MedGen C0950123, MeSH D030342.
Majeed syndrome (MJDS). Also called: CHRONIC RECURRENT MULTIFOCAL OSTEOMYELITIS 1, WITH CONGENITAL DYSERYTHROPOIETIC ANEMIA, WITH OR WITHOUT NEUTROPHILIC DERMATOSIS; LPIN2-Related Majeed Syndrome. Identifiers: Orphanet 77297, MedGen C1864997, MONDO:0012316, OMIM 609628.

Allele frequency attached by ClinVar (database versions not stated): gnomAD exomes 0.00001 and 0.00002; TOPMed 0.00002; ExAC 0.00003; gnomAD 0.00003; ESP Exome Variant Server 0.00008.
gnomAD v4.1: 22 of 1,614,092 alleles (0.0014%); highest among the groups gnomAD compares: Admixed American, 0.013%; no homozygotes.

Submissions (4):

Ambry Genetics
Classification: Uncertain significance for Inborn genetic diseases. Last evaluated: 2025-06-18. Review status: criteria provided, single submitter. Criteria: Ambry Variant Classification Scheme 2023. Collection method: clinical testing. Allele origin: germline.

Labcorp Genetics (formerly Invitae), Labcorp
Classification: Uncertain significance for Majeed syndrome. Last evaluated: 2024-10-16. Review status: criteria provided, single submitter. Criteria: Invitae Variant Classification Sherloc (09022015). Collection method: clinical testing. Allele origin: germline.
Comment: This sequence change replaces valine, which is neutral and non-polar, with methionine, which is neutral and non-polar, at codon 185 of the LPIN2 protein (p.Val185Met). This variant is present in population databases (rs148620026, gnomAD 0.009%). This variant has not been reported in the literature in individuals affected with LPIN2-related conditions. ClinVar contains an entry for this variant (Variation ID: 946602). Invitae Evidence Modeling of protein sequence and biophysical properties (such as structural, functional, and spatial information, amino acid conservation, physicochemical variation, residue mobility, and thermodynamic stability) indicates that this missense variant is not expected to disrupt LPIN2 protein function with a negative predictive value of 80%. In summary, the available evidence is currently insufficient to determine the role of this variant in disease. Therefore, it has been classified as a Variant of Uncertain Significance.

Revvity Omics, Revvity
Classification: Uncertain significance for Majeed syndrome. Last evaluated: 2023-03-29. Review status: criteria provided, single submitter. Criteria: ACMG Guidelines, 2015. Collection method: clinical testing. Allele origin: germline.

Genome Diagnostics Laboratory, The Hospital for Sick Children
Classification: Uncertain significance for Autoinflammatory syndrome. Last evaluated: 2019-01-01. Review status: criteria provided, single submitter. Criteria: ACMG Guidelines, 2015. Collection method: clinical testing. Allele origin: germline. Affected: yes.